The following is an entry in ClinVar:

NM_002691.4(POLD1):c.971-11C>T

Gene: POLD1 (DNA polymerase delta 1, catalytic subunit; plus strand). Cytogenetic location: 19q13.33.
Variant type: single nucleotide variant.
Coding change: c.971-11C>T on transcript NM_002691.4 (MANE Select); 11 bases into the intron before coding-DNA position 971, C replaced by T.
Molecular consequence: intron variant.
Genome position (GRCh38, 1-based): chr19:50,403,042, C>T. VCF-style: chr19-50403042-C-T. GRCh37 (hg19) VCF-style: chr19-50906299-C-T.
Other names: c.971-11C>T (NM_001256849.1, NM_001308632.1).
Identifiers: ClinVar variation 1545482 (VCV001545482.9), dbSNP rs1176384728, ClinGen allele CA633897611.

ClinVar aggregate classification (germline): Likely benign. Review status: criteria provided, multiple submitters, no conflicts (2 of 4 stars). 2 submissions from 2 submitters: Likely benign (2). Last evaluated 2025-05-05.

Conditions:
POLD1-related polyposis and colorectal cancer syndrome (CRCS10). Also called: Colorectal cancer 10; COLORECTAL CANCER, SUSCEPTIBILITY TO, ON CHROMOSOME 19q; Colorectal cancer, susceptibility to, 10. Identifiers: Orphanet 220460, MedGen C2675481, MONDO:0012953, OMIM 612591.

Allele frequency attached by ClinVar (database versions not stated): gnomAD exomes 0.00003.
gnomAD v4.1: 16 of 1,554,248 alleles (0.001%); highest among the groups gnomAD compares: East Asian, 0.039%; no homozygotes.

Submissions (2):

Labcorp Genetics (formerly Invitae), Labcorp
Classification: Likely benign for POLD1-related polyposis and colorectal cancer syndrome. Last evaluated: 2025-05-05. Review status: criteria provided, single submitter. Criteria: Invitae Variant Classification Sherloc (09022015). Collection method: clinical testing. Allele origin: germline.

Myriad Genetics, Inc.
Classification: Likely benign for POLD1-related polyposis and colorectal cancer syndrome. Last evaluated: 2025-02-05. Review status: criteria provided, single submitter. Criteria: Myriad Autosomal Dominant, Autosomal Recessive and X-Linked Classification Criteria (2023). Collection method: clinical testing. Allele origin: unknown.
Comment: This variant is considered likely benign. This variant is intronic and is not expected to impact mRNA splicing.